The following is an entry in ClinVar:

ClinVar aggregate classification (germline): Pathogenic (1 of 4 stars; one submission).

Conditions:
X-linked agammaglobulinemia with growth hormone deficiency (IGHD3). Also called: AGAMMAGLOBULINEMIA AND ISOLATED GROWTH HORMONE DEFICIENCY, X-LINKED; ISOLATED GROWTH HORMONE DEFICIENCY, TYPE III, WITH AGAMMAGLOBULINEMIA; Isolated growth hormone deficiency type 3; Growth hormone deficiency with hypogammaglobulinemia; FLEISHER SYNDROME; HYPOGAMMAGLOBULINEMIA AND ISOLATED GROWTH HORMONE DEFICIENCY, X-LINKED. Identifiers: Orphanet 231692, Orphanet 631, MedGen C0472813, MONDO:0010615, OMIM 307200.

Submission:

Labcorp Genetics (formerly Invitae), Labcorp
Classification: Pathogenic for X-linked agammaglobulinemia with growth hormone deficiency. Last evaluated: 2022-11-03. Review status: criteria provided, single submitter. Criteria: Invitae Variant Classification Sherloc (09022015). Collection method: clinical testing. Allele origin: germline.
Comment: This variant is not present in population databases (gnomAD no frequency). For these reasons, this variant has been classified as Pathogenic. This variant has not been reported in the literature in individuals affected with BTK-related conditions. This sequence change creates a premature translational stop signal (p.Val427Aspfs*8) in the BTK gene. It is expected to result in an absent or disrupted protein product. Loss-of-function variants in BTK are known to be pathogenic (PMID: 15661032, 16862044, 19419768).

Literature cited by the submitters: PubMed 15661032; PubMed 16862044; PubMed 19419768.

NM_000061.3(BTK):c.1278_1291del (p.Val427fs)

Gene: BTK (Bruton tyrosine kinase; minus strand). Cytogenetic location: Xq22.1.
Variant type: Deletion.
Coding change: c.1278_1291del on transcript NM_000061.3 (MANE Select); coding-DNA positions 1278 to 1291, 14 bases deleted (CGTGGCCATCAAGA).
Protein change: p.Val427fs; shifts the reading frame from valine 427.
Molecular consequence: frameshift variant. On other transcripts: intron variant (1).
Genome position (GRCh38, 1-based): chrX:101,356,842-101,356,855, TCTTGATGGCCACG deleted on the plus strand (CGTGGCCATCAAGA on the coding strand, the reverse complement: BTK is on the minus strand); deleting any 14 consecutive bases within chrX:101,356,842-101,356,857 gives the same sequence; the c. name uses the placement nearest the transcript's 3' end. VCF-style (leftmost placement, unchanged base first): chrX-101356841-ATCTTGATGGCCACG-A. GRCh37 (hg19) VCF-style: chrX-100611829-ATCTTGATGGCCACG-A.
Other names: c.1380_1393del, p.Val461fs (NM_001287344.2); c.1038+1519_1038+1532del (NM_001287345.2); short protein forms V427fs, V461fs.
Identifiers: ClinVar variation 2807105 (VCV002807105.3), dbSNP rs2520558559, ClinGen allele CA2739273639.